The following is an entry in ClinVar:

NM_032242.4(PLXNA1):c.3052G>A (p.Gly1018Arg)

Gene: PLXNA1 (plexin A1; plus strand). Cytogenetic location: 3q21.3.
Variant type: single nucleotide variant.
Coding change: c.3052G>A on transcript NM_032242.4 (MANE Select); coding-DNA position 3052, G replaced by A.
Protein change: p.Gly1018Arg; replaces glycine 1018 with arginine.
Molecular consequence: missense variant.
Genome position (GRCh38, 1-based): chr3:127,016,554, G>A. VCF-style: chr3-127016554-G-A. GRCh37 (hg19) VCF-style: chr3-126735397-G-A.
Other names: short protein forms G1018R.
Identifiers: ClinVar variation 3351783 (VCV003351783.1).
Genomic context (GRCh38, chr3:127,016,554, plus strand): 5'-CTGTCCCACTCGGGCACCTCCAGGAGGAACTCCCGTGAGATCCGGTGCCTGACACCCCCC[G>A]GGCAGAGCCCTGGCAGCGCTCCCATCATCATCAACATCAACCGCGCCCAGCTCACCAACC-3'
Protein context (NP_115618.3, residues 1008-1028): SREIRCLTPP[Gly1018Arg]QSPGSAPIII

ClinVar aggregate classification (germline): Uncertain significance (0 of 4 stars; one submission).

Conditions:
PLXNA1-related disorder. Also called: PLXNA1-related condition.

gnomAD v4.1: 37 of 1,613,704 alleles (0.0023%); highest among the groups gnomAD compares: Admixed American, 0.005%; no homozygotes.

Submission:

PreventionGenetics, part of Exact Sciences
Classification: Uncertain significance for PLXNA1-related condition. Last evaluated: 2024-07-02. Review status: no assertion criteria provided. Collection method: clinical testing. Allele origin: germline.
Comment: The PLXNA1 c.3052G>A variant is predicted to result in the amino acid substitution p.Gly1018Arg. To our knowledge, this variant has not been reported in the literature. This variant is reported in 0.0062% of alleles in individuals of African descent in gnomAD. At this time, the clinical significance of this variant is uncertain due to the absence of conclusive functional and genetic evidence.